The following is an entry in ClinVar:

NM_016216.4(DBR1):c.489+5G>A

Gene: DBR1 (debranching RNA lariats 1; minus strand). Cytogenetic location: 3q22.3.
Variant type: single nucleotide variant.
Coding change: c.489+5G>A on transcript NM_016216.4 (MANE Select); 5 bases into the intron after coding-DNA position 489, G replaced by A.
Molecular consequence: intron variant.
Genome position (GRCh38, 1-based): chr3:138,170,102, C>T on the plus strand (G>A on the coding strand, the complement: DBR1 is on the minus strand). VCF-style: chr3-138170102-C-T. GRCh37 (hg19) VCF-style: chr3-137888944-C-T.
Identifiers: ClinVar variation 2171087 (VCV002171087.3), dbSNP rs376184862, ClinGen allele CA2635862.

ClinVar aggregate classification (germline): Uncertain significance. Review status: criteria provided, multiple submitters, no conflicts (2 of 4 stars). 2 submissions from 2 submitters: Uncertain significance (2). Last evaluated 2025-07-01.

Conditions:
Encephalitis, acute, infection (viral)-induced, susceptibility to, 11. Identifiers: MedGen C5561941, MONDO:0030334, OMIM 619441.

Allele frequency attached by ClinVar (database versions not stated): ExAC 0.00003; gnomAD 0.00005; ESP Exome Variant Server 0.00008.
gnomAD v4.1: 88 of 1,534,858 alleles (0.0057%); highest among the groups gnomAD compares: Non-Finnish European, 0.0062%; no homozygotes.

Submissions (3):

Institute of Human Genetics, University of Leipzig Medical Center
Classification: Uncertain significance for Encephalitis, acute, infection (viral)-induced, susceptibility to, 11. Last evaluated: 2025-07-01. Review status: criteria provided, single submitter. Criteria: ACMG Guidelines, 2015. Collection method: clinical testing. Allele origin: unknown. Inheritance: Autosomal recessive inheritance. Affected: yes.
Comment: Criteria applied: PM2,PP3

Labcorp Genetics (formerly Invitae), Labcorp
Classification: Uncertain significance. Last evaluated: 2022-02-09. Review status: criteria provided, single submitter. Criteria: Invitae Variant Classification Sherloc (09022015). Collection method: clinical testing. Allele origin: germline.
Comment: This sequence change falls in intron 4 of the DBR1 gene. It does not directly change the encoded amino acid sequence of the DBR1 protein. It affects a nucleotide within the consensus splice site. This variant is present in population databases (rs376184862, gnomAD 0.01%). This variant has not been reported in the literature in individuals affected with DBR1-related conditions. Variants that disrupt the consensus splice site are a relatively common cause of aberrant splicing (PMID: 17576681, 9536098). Algorithms developed to predict the effect of sequence changes on RNA splicing suggest that this variant may disrupt the consensus splice site. In summary, the available evidence is currently insufficient to determine the role of this variant in disease. Therefore, it has been classified as a Variant of Uncertain Significance.

Dr. Peter K. Rogan Lab, Western University
No classification provided (evidence only). Condition: Ovarian serous cystadenocarcinoma. Review status: no classification provided. Collection method: in vitro. Allele origin: not applicable. Functional consequence: retained intron. Not counted in ClinVar's aggregate classification.

Literature cited by the submitters: PubMed 17576681 (cited by Labcorp Genetics (formerly Invitae), Labcorp); PubMed 9536098 (cited by Labcorp Genetics (formerly Invitae), Labcorp).